The following is an entry in ClinVar:

ClinVar aggregate classification (germline): Uncertain significance (1 of 4 stars; one submission).

Conditions:
Chédiak-Higashi syndrome (CHS). Also called: Chediak-Higashi Syndrome. Identifiers: Orphanet 167, MedGen C0007965, MONDO:0008963, OMIM 214500.

Allele frequency attached by ClinVar (database versions not stated): gnomAD exomes 0.00001; TOPMed 0.00001; ExAC 0.00002.
gnomAD v4.1: 7 of 1,613,980 alleles (0.00043%); highest among the groups gnomAD compares: East Asian, 0.0045%; no homozygotes.

Submission:

Labcorp Genetics (formerly Invitae), Labcorp
Classification: Uncertain significance for Chédiak-Higashi syndrome. Last evaluated: 2022-11-15. Review status: criteria provided, single submitter. Criteria: Invitae Variant Classification Sherloc (09022015). Collection method: clinical testing. Allele origin: germline.
Comment: This sequence change replaces glutamine, which is neutral and polar, with arginine, which is basic and polar, at codon 25 of the LYST protein (p.Gln25Arg). This variant is present in population databases (rs767571020, gnomAD 0.003%). In summary, the available evidence is currently insufficient to determine the role of this variant in disease. Therefore, it has been classified as a Variant of Uncertain Significance. Advanced modeling of protein sequence and biophysical properties (such as structural, functional, and spatial information, amino acid conservation, physicochemical variation, residue mobility, and thermodynamic stability) performed at Invitae indicates that this missense variant is not expected to disrupt LYST protein function. This variant has not been reported in the literature in individuals affected with LYST-related conditions.

NM_000081.4(LYST):c.74A>G (p.Gln25Arg)

Gene: LYST (lysosomal trafficking regulator; minus strand). Cytogenetic location: 1q42.3.
Variant type: single nucleotide variant.
Coding change: c.74A>G on transcript NM_000081.4 (MANE Select); coding-DNA position 74, A replaced by G.
Protein change: p.Gln25Arg; replaces glutamine 25 with arginine.
Molecular consequence: missense variant. On other transcripts: non-coding transcript variant (1).
Genome position (GRCh38, 1-based): chr1:235,830,344, T>C on the plus strand (A>G on the coding strand, the complement: LYST is on the minus strand). VCF-style: chr1-235830344-T-C. GRCh37 (hg19) VCF-style: chr1-235993644-T-C.
Other names: c.74A>G, p.Gln25Arg (NM_001301365.1); short protein forms Q25R.
Identifiers: ClinVar variation 2196856 (VCV002196856.2), dbSNP rs767571020, ClinGen allele CA1467737.
Genomic context (GRCh38, chr1:235,830,344, plus strand): 5'-TACTGTCCAAGGGTTGCCATGTGCGTCTCCTCCTCTTCTTCCTCCCTGGCCTCCACCCTC[T>C]GGACCACTGCATTGCAAAGCCGGTTGACATCGGTCAGAAATTCACGTGCCAGTGAGTTAC-3'
Protein context (NP_000072.2, residues 15-35): DVNRLCNAVV[Gln25Arg]RVEAREEEEE